The following is an entry in ClinVar:

NM_000038.6(APC):c.4345A>T (p.Lys1449Ter)

Gene: APC (APC regulator of Wnt signaling pathway; plus strand). Cytogenetic location: 5q22.2.
Variant type: single nucleotide variant.
Coding change: c.4345A>T on transcript NM_000038.6 (MANE Select); coding-DNA position 4345, A replaced by T.
Protein change: p.Lys1449Ter; replaces lysine 1449 with a stop codon.
Molecular consequence: nonsense. On other transcripts: non-coding transcript variant (2).
Genome position (GRCh38, 1-based): chr5:112,839,939, A>T. VCF-style: chr5-112839939-A-T. GRCh37 (hg19) VCF-style: chr5-112175636-A-T.
Other names: c.4345A>T, p.Lys1449Ter (NM_001127510.3, NM_001354895.2, NM_001407450.1); c.4291A>T, p.Lys1431Ter (NM_001127511.3); c.4399A>T, p.Lys1467Ter (NM_001354896.2, NM_001407447.1, NM_001407448.1 and 1 more transcripts); c.4375A>T, p.Lys1459Ter (NM_001354897.2); c.4270A>T, p.Lys1424Ter (NM_001354898.2); c.4261A>T, p.Lys1421Ter (NM_001354899.2); c.4222A>T, p.Lys1408Ter (NM_001354900.2); c.4168A>T, p.Lys1390Ter (NM_001354901.2, NM_001407453.1); and 11 more; short protein forms K1065*, K1166*, K1289*, K1320*, K1323*, K1348*, K1358*, K1366*.
Identifiers: ClinVar variation 3904047 (VCV003904047.1).

ClinVar aggregate classification (germline): Pathogenic (1 of 4 stars; one submission).

Conditions:
Familial adenomatous polyposis 1 (FAP1). Also called: FAMILIAL ADENOMATOUS POLYPOSIS 1, ATTENUATED; POLYPOSIS, ADENOMATOUS INTESTINAL. Identifiers: MedGen C2713442, MONDO:0021056, OMIM 175100. Disease mechanism: loss of function.

Submission:

Myriad Genetics, Inc.
Classification: Pathogenic for Familial adenomatous polyposis 1. Last evaluated: 2025-01-08. Review status: criteria provided, single submitter. Criteria: Myriad Autosomal Dominant, Autosomal Recessive and X-Linked Classification Criteria (2023). Collection method: clinical testing. Allele origin: unknown.
Comment: This variant is considered pathogenic. This variant creates a termination codon and is predicted to result in premature protein truncation.